The following is an entry in ClinVar:

NM_001379110.1(SLC9A6):c.529A>G (p.Ile177Val)

Gene: SLC9A6 (solute carrier family 9 member A6; plus strand). Cytogenetic location: Xq26.3.
Variant type: single nucleotide variant.
Coding change: c.529A>G on transcript NM_001379110.1 (MANE Select); coding-DNA position 529, A replaced by G.
Protein change: p.Ile177Val; replaces isoleucine 177 with valine.
Molecular consequence: missense variant.
Genome position (GRCh38, 1-based): chrX:135,998,860, A>G. VCF-style: chrX-135998860-A-G. GRCh37 (hg19) VCF-style: chrX-135081019-A-G.
Other names: NC_000023.10:g.135081019A>G; c.685A>G, p.Ile229Val (NM_001042537.2); c.529A>G, p.Ile177Val (NM_001177651.2); c.433A>G, p.Ile145Val (NM_001330652.2); c.589A>G, p.Ile197Val (NM_006359.3); short protein forms I229V, I145V, I197V, I177V.
Identifiers: ClinVar variation 159936 (VCV000159936.31), dbSNP rs587784402, ClinGen allele CA173502.

ClinVar aggregate classification (germline): Uncertain significance. Review status: criteria provided, multiple submitters, no conflicts (2 of 4 stars). 2 submissions from 2 submitters: Uncertain significance (2). Last evaluated 2023-07-01.

Conditions:
Christianson syndrome (MRXSCH). Also called: SLC9A6-Related Syndromic Mental Retardation; INTELLECTUAL DEVELOPMENTAL DISORDER, X-LINKED, SYNDROMIC, CHRISTIANSON TYPE; X-linked mental retardation, syndromic, Christianson type. Identifiers: Orphanet 85278, MedGen C2678194, MONDO:0010278, OMIM 300243.

Allele frequency attached by ClinVar (database versions not stated): gnomAD exomes below 0.00001 and 0.00001.
gnomAD v4.1: 2 of 1,189,066 alleles (0.00017%); highest among the groups gnomAD compares: Non-Finnish European, 0.00023%; no homozygotes.

Submissions (3):

CeGaT Center for Human Genetics Tuebingen
Classification: Uncertain significance. Last evaluated: 2023-07-01. Review status: criteria provided, single submitter. Criteria: CeGaT Center For Human Genetics Tuebingen Variant Classification Criteria Version 2. Collection method: clinical testing. Allele origin: germline. Affected: yes. Observed: 1 variant allele.
Comment: SLC9A6: PM2

Genetic Services Laboratory, University of Chicago
Classification: Uncertain significance for Mental retardation, X-linked syndromic, Christianson type. Last evaluated: 2014-03-18. Review status: criteria provided, single submitter. Criteria: ACMG Guidelines, 2007. Collection method: clinical testing. Allele origin: germline. Inheritance: X-linked inheritance.

Dr. Peter K. Rogan Lab, Western University
No classification provided (evidence only). Condition: Lung cancer. Review status: no classification provided. Collection method: in vitro. Allele origin: not applicable. Functional consequence: retained intron. Not counted in ClinVar's aggregate classification.